The following is an entry in ClinVar:

ClinVar aggregate classification (germline): Likely benign (0 of 4 stars; one submission).

Conditions:
UGT1A9-related disorder. Also called: UGT1A9-related condition.

Submission:

PreventionGenetics, part of Exact Sciences
Classification: Likely benign for UGT1A9-related condition. Last evaluated: 2021-02-11. Review status: no assertion criteria provided. Collection method: clinical testing. Allele origin: germline.
Comment: This variant is classified as likely benign based on ACMG/AMP sequence variant interpretation guidelines (Richards et al. 2015 PMID: 25741868, with internal and published modifications).

NM_021027.3(UGT1A9):c.918A>G (p.Ser306=)

Genes: UGT1A (UDP glucuronosyltransferase family 1 member A complex locus; plus strand), UGT1A1 (UDP glucuronosyltransferase family 1 member A1; plus strand), UGT1A10 (UDP glucuronosyltransferase family 1 member A10; plus strand), UGT1A3 (UDP glucuronosyltransferase family 1 member A3; plus strand), UGT1A4 (UDP glucuronosyltransferase family 1 member A4; plus strand) and 5 more. Cytogenetic location: 2q37.1.
Variant type: single nucleotide variant.
Coding change: c.918A>G on transcript NM_021027.3 (MANE Select); coding-DNA position 918, A replaced by G.
Protein change: p.Ser306=; no amino-acid change (serine 306 retained).
Molecular consequence: synonymous variant.
Genome position (GRCh38, 1-based): chr2:233,767,096, A>G. VCF-style: chr2-233767096-A-G. GRCh37 (hg19) VCF-style: chr2-234675742-A-G.
Other names: c.918A>G, p.Ser306= (NM_019075.4, NM_019076.5, NM_019077.3); c.924A>G, p.Ser308= (NM_001072.4); c.123A>G, p.Ser41= (NM_205862.3); c.930A>G, p.Ser310= (NM_019078.2, NM_007120.3, NM_019093.4); c.927A>G, p.Ser309= (NM_000463.3).
Identifiers: ClinVar variation 3031294 (VCV003031294.2), dbSNP rs2473132625, ClinGen allele CA431855745.